The following is an entry in ClinVar:

ClinVar aggregate classification (germline): Uncertain significance (1 of 4 stars; one submission).

Submission:

Labcorp Genetics (formerly Invitae), Labcorp
Classification: Uncertain significance. Last evaluated: 2023-06-06. Review status: criteria provided, single submitter. Criteria: Invitae Variant Classification Sherloc (09022015). Collection method: clinical testing. Allele origin: germline.
Comment: This variant is not present in population databases (gnomAD no frequency). This sequence change replaces threonine, which is neutral and polar, with lysine, which is basic and polar, at codon 73 of the SEC63 protein (p.Thr73Lys). This variant has not been reported in the literature in individuals affected with SEC63-related conditions. An algorithm developed to predict the effect of missense changes on protein structure and function (PolyPhen-2) suggests that this variant is likely to be tolerated. In summary, the available evidence is currently insufficient to determine the role of this variant in disease. Therefore, it has been classified as a Variant of Uncertain Significance.

NM_007214.5(SEC63):c.218C>A (p.Thr73Lys)

Gene: SEC63 (SEC63 protein translocation regulator; minus strand). Cytogenetic location: 6q21.
Variant type: single nucleotide variant.
Coding change: c.218C>A on transcript NM_007214.5 (MANE Select); coding-DNA position 218, C replaced by A.
Protein change: p.Thr73Lys; replaces threonine 73 with lysine.
Molecular consequence: missense variant.
Genome position (GRCh38, 1-based): chr6:107,929,421, G>T on the plus strand (C>A on the coding strand, the complement: SEC63 is on the minus strand). VCF-style: chr6-107929421-G-T. GRCh37 (hg19) VCF-style: chr6-108250625-G-T.
Other names: short protein forms T73K.
Identifiers: ClinVar variation 2862134 (VCV002862134.3), dbSNP rs764482522, ClinGen allele CA365189558.